The following is an entry in ClinVar:

ClinVar aggregate classification (germline): Uncertain significance (1 of 4 stars; one submission).

Conditions:
Nephronophthisis. Also called: Juvenile Nephronophthisis. Identifiers: Orphanet 655, MedGen C0687120, MONDO:0019005, HP:0000090.

Submission:

Labcorp Genetics (formerly Invitae), Labcorp
Classification: Uncertain significance for Nephronophthisis. Last evaluated: 2022-03-23. Review status: criteria provided, single submitter. Criteria: Invitae Variant Classification Sherloc (09022015). Collection method: clinical testing. Allele origin: germline.
Comment: This variant is not present in population databases (gnomAD no frequency). In summary, the available evidence is currently insufficient to determine the role of this variant in disease. Therefore, it has been classified as a Variant of Uncertain Significance. Algorithms developed to predict the effect of sequence changes on RNA splicing suggest that this variant may disrupt the consensus splice site. This variant has not been reported in the literature in individuals affected with NPHP4-related conditions. This sequence change affects codon 920 of the NPHP4 mRNA. It is a 'silent' change, meaning that it does not change the encoded amino acid sequence of the NPHP4 protein.

NM_015102.5(NPHP4):c.2758A>C (p.Arg920=)

Gene: NPHP4 (nephrocystin 4; minus strand). Cytogenetic location: 1p36.31.
Variant type: single nucleotide variant.
Coding change: c.2758A>C on transcript NM_015102.5 (MANE Select); coding-DNA position 2758, A replaced by C.
Protein change: p.Arg920=; no amino-acid change (arginine 920 retained).
Molecular consequence: synonymous variant. On other transcripts: non-coding transcript variant (1).
Genome position (GRCh38, 1-based): chr1:5,877,152, T>G on the plus strand (A>C on the coding strand, the complement: NPHP4 is on the minus strand). VCF-style: chr1-5877152-T-G. GRCh37 (hg19) VCF-style: chr1-5937212-T-G.
Other names: c.1219A>C, p.Arg407= (NM_001291593.2); c.1222A>C, p.Arg408= (NM_001291594.2).
Identifiers: ClinVar variation 2116041 (VCV002116041.4), dbSNP rs2523227162, ClinGen allele CA415789250.
Genomic context (GRCh38, chr1:5,877,152, plus strand): 5'-CCAACACGCTCGTCCCGCGCCGGCCCAAGTCTCCCCCGGCCTCCTGCAGGCGCACAGACC[T>G]CATCCGCTCCAGCTTACGCCTGCGGGTGGCATCCGACTCGCGGCTGACGTCCTGGGGCCC-3'
Protein context (NP_055917.1, residues 910-930): ATRRRKLERM[Arg920=]SVRLQEAGGD